The following is an entry in ClinVar:

ClinVar aggregate classification (germline): Uncertain significance. Review status: criteria provided, multiple submitters, no conflicts (2 of 4 stars). 2 submissions from 2 submitters: Uncertain significance (2). Last evaluated 2025-11-10.

Conditions:
Inborn genetic diseases. Identifiers: MedGen C0950123, MeSH D030342.

Allele frequency attached by ClinVar (database versions not stated): gnomAD exomes below 0.00001.
gnomAD v4.1: 1 of 1,613,952 alleles (0.000062%); highest among the groups gnomAD compares: Admixed American, 0.0017%; no homozygotes.

Submissions (2):

Dasa
Classification: Uncertain significance. Last evaluated: 2025-11-10. Review status: criteria provided, single submitter. Criteria: DASA Assertion Criteria. Collection method: clinical testing. Allele origin: germline.
Comment: NM_198578.4(LRRK2):c.218G>T (p.Arg73Ile) is a missense variant that results in the substitution of arginine with isoleucine. This variant is rare in population databases. The currently available literature and clinical evidence are not sufficient to establish a definitive association between this variant and the reported condition. Therefore, this variant is classified as a variant of uncertain significance.

Ambry Genetics
Classification: Uncertain significance for Inborn genetic diseases. Last evaluated: 2021-10-26. Review status: criteria provided, single submitter. Criteria: Ambry Variant Classification Scheme 2023. Collection method: clinical testing. Allele origin: germline.
Comment: The p.R73I variant (also known as c.218G>T), located in coding exon 2 of the LRRK2 gene, results from a G to T substitution at nucleotide position 218. The arginine at codon 73 is replaced by isoleucine, an amino acid with similar properties. This amino acid position is conserved. In addition, the in silico prediction for this alteration is inconclusive. Since supporting evidence is limited at this time, the clinical significance of this alteration remains unclear.

NM_198578.4(LRRK2):c.218G>T (p.Arg73Ile)

Gene: LRRK2 (leucine rich repeat kinase 2; plus strand). Cytogenetic location: 12q12.
Variant type: single nucleotide variant.
Coding change: c.218G>T on transcript NM_198578.4 (MANE Select); coding-DNA position 218, G replaced by T.
Protein change: p.Arg73Ile; replaces arginine 73 with isoleucine.
Molecular consequence: missense variant.
Genome position (GRCh38, 1-based): chr12:40,225,621, G>T. VCF-style: chr12-40225621-G-T. GRCh37 (hg19) VCF-style: chr12-40619423-G-T.
Other names: short protein forms R73I.
Identifiers: ClinVar variation 1787402 (VCV001787402.4), dbSNP rs2499336364, ClinGen allele CA384399394.
Genomic context (GRCh38, chr12:40,225,621, plus strand): 5'-AGTTATTTCAAGGCAAAAATATCCATGTGCCTCTGTTGATCGTCTTGGACTCCTATATGA[G>T]AGTCGCGAGTGTGCAGCAGGTAAAGGCATTGTTTTCACTTCAACTCATTCTCCCTTCTGT-3'
Protein context (NP_940980.4, residues 63-83): PLLIVLDSYM[Arg73Ile]VASVQQVGWS